The following is an entry in ClinVar:

NM_004055.5(CAPN5):c.774T>A (p.Asp258Glu)

Gene: CAPN5 (calpain 5; plus strand). Cytogenetic location: 11q13.5.
Variant type: single nucleotide variant.
Coding change: c.774T>A on transcript NM_004055.5 (MANE Select); coding-DNA position 774, T replaced by A.
Protein change: p.Asp258Glu; replaces aspartic acid 258 with glutamic acid.
Molecular consequence: missense variant.
Genome position (GRCh38, 1-based): chr11:77,115,469, T>A. VCF-style: chr11-77115469-T-A. GRCh37 (hg19) VCF-style: chr11-76826515-T-A.
Other names: short protein forms D258E.
Identifiers: ClinVar variation 957699 (VCV000957699.9), dbSNP rs1950457337, ClinGen allele CA381938796.

ClinVar aggregate classification (germline): Uncertain significance (1 of 4 stars; one submission).

Submission:

Labcorp Genetics (formerly Invitae), Labcorp
Classification: Uncertain significance. Last evaluated: 2022-07-25. Review status: criteria provided, single submitter. Criteria: Invitae Variant Classification Sherloc (09022015). Collection method: clinical testing. Allele origin: germline.
Comment: In summary, the available evidence is currently insufficient to determine the role of this variant in disease. Therefore, it has been classified as a Variant of Uncertain Significance. Algorithms developed to predict the effect of missense changes on protein structure and function are either unavailable or do not agree on the potential impact of this missense change (SIFT: "Deleterious"; PolyPhen-2: "Possibly Damaging"; Align-GVGD: "Class C0"). ClinVar contains an entry for this variant (Variation ID: 957699). This variant has not been reported in the literature in individuals affected with CAPN5-related conditions. This variant is not present in population databases (gnomAD no frequency). This sequence change replaces aspartic acid, which is acidic and polar, with glutamic acid, which is acidic and polar, at codon 258 of the CAPN5 protein (p.Asp258Glu).